The following is an entry in ClinVar:

ClinVar aggregate classification (germline): Uncertain significance (1 of 4 stars; one submission).

Conditions:
Frontotemporal dementia and/or amyotrophic lateral sclerosis 4. Also called: FTDALS4. Identifiers: Orphanet 275872, MedGen C4225325, MONDO:0014641, OMIM 616439.

Submission:

Labcorp Genetics (formerly Invitae), Labcorp
Classification: Uncertain significance for Frontotemporal dementia and/or amyotrophic lateral sclerosis 4. Last evaluated: 2025-02-19. Review status: criteria provided, single submitter. Criteria: Invitae Variant Classification Sherloc (09022015). Collection method: clinical testing. Allele origin: germline.
Comment: This sequence change replaces methionine, which is neutral and non-polar, with isoleucine, which is neutral and non-polar, at codon 142 of the TBK1 protein (p.Met142Ile). This variant is not present in population databases (gnomAD no frequency). This variant has not been reported in the literature in individuals affected with TBK1-related conditions. Invitae Evidence Modeling of protein sequence and biophysical properties (such as structural, functional, and spatial information, amino acid conservation, physicochemical variation, residue mobility, and thermodynamic stability) indicates that this missense variant is not expected to disrupt TBK1 protein function with a negative predictive value of 95%. In summary, the available evidence is currently insufficient to determine the role of this variant in disease. Therefore, it has been classified as a Variant of Uncertain Significance.

NM_013254.4(TBK1):c.426G>A (p.Met142Ile)

Gene: TBK1 (TANK binding kinase 1; plus strand). Cytogenetic location: 12q14.2.
Variant type: single nucleotide variant.
Coding change: c.426G>A on transcript NM_013254.4 (MANE Select); coding-DNA position 426, G replaced by A.
Protein change: p.Met142Ile; replaces methionine 142 with isoleucine.
Molecular consequence: missense variant.
Genome position (GRCh38, 1-based): chr12:64,466,968, G>A. VCF-style: chr12-64466968-G-A. GRCh37 (hg19) VCF-style: chr12-64860748-G-A.
Other names: short protein forms M142I.
Identifiers: ClinVar variation 4803064 (VCV004803064.1).